The following is an entry in ClinVar:

NM_001330260.2(SCN8A):c.2056G>A (p.Asp686Asn)

Gene: SCN8A (sodium voltage-gated channel alpha subunit 8; plus strand). Cytogenetic location: 12q13.13.
Variant type: single nucleotide variant.
Coding change: c.2056G>A on transcript NM_001330260.2 (MANE Select); coding-DNA position 2056, G replaced by A.
Protein change: p.Asp686Asn; replaces aspartic acid 686 with asparagine.
Molecular consequence: missense variant.
Genome position (GRCh38, 1-based): chr12:51,745,960, G>A. VCF-style: chr12-51745960-G-A. GRCh37 (hg19) VCF-style: chr12-52139744-G-A.
Other names: c.2056G>A, p.Asp686Asn (NM_001177984.3, NM_001369788.1, NM_014191.4); short protein forms D686N.
Identifiers: ClinVar variation 406259 (VCV000406259.13), dbSNP rs373073046, ClinGen allele CA6571413.

ClinVar aggregate classification (germline): Benign/Likely benign. Review status: criteria provided, multiple submitters, no conflicts (2 of 4 stars). 2 submissions from 2 submitters: Benign (1); Likely benign (1). Last evaluated 2025-03-28.

Conditions:
Early-infantile DEE. Also called: Ohtahara syndrome; Early infantile epileptic encephalopathy with suppression bursts; Early infantile epileptic encephalopathy. Identifiers: Orphanet 1934, MedGen C0393706, MONDO:0800491.

Allele frequency attached by ClinVar (database versions not stated): TOPMed 0.00004; ESP Exome Variant Server 0.00017; gnomAD 0.00002 and 0.00003.
gnomAD v4.1: 106 of 1,611,624 alleles (0.0066%); highest among the groups gnomAD compares: Non-Finnish European, 0.0087%; no homozygotes.

Submissions (2):

Labcorp Genetics (formerly Invitae), Labcorp
Classification: Benign for Early-infantile DEE. Last evaluated: 2025-03-28. Review status: criteria provided, single submitter. Criteria: Invitae Variant Classification Sherloc (09022015). Collection method: clinical testing. Allele origin: germline.

GeneDx
Classification: Likely benign. Last evaluated: 2021-01-26. Review status: criteria provided, single submitter. Criteria: GeneDx Variant Classification Process June 2021. Collection method: clinical testing. Allele origin: germline. Affected: yes.
Comment: Missense variants in this gene are often considered pathogenic (Stenson et al., 2014); In silico analysis supports that this missense variant has a deleterious effect on protein structure/function; This substitution is predicted to be within the intracellular loop between the S6 transmembrane segment of the first homologous domain and S1 transmembrane segment of the second homologous domain.; Has not been previously published as pathogenic or benign to our knowledge